The following is an entry in ClinVar:

ClinVar aggregate classification (germline): Benign. Review status: criteria provided, multiple submitters, no conflicts (2 of 4 stars). 5 submissions from 5 submitters: Benign (5). Last evaluated 2026-02-04.

Conditions:
Congenital microcephaly - severe encephalopathy - progressive cerebral atrophy syndrome. Also called: ASNS DEFICIENCY; Asparagine synthetase deficiency. Identifiers: Orphanet 391376, MedGen C3809971, MONDO:0014258, OMIM 615574.

Allele frequency attached by ClinVar (database versions not stated): TOPMed 0.12306; gnomAD 0.12465 and 0.12692; ESP Exome Variant Server 0.12763; 1000 Genomes Project 30x 0.13413; gnomAD exomes 0.13519 and 0.13698; 1000 Genomes Project 0.13598; ExAC 0.14049.
gnomAD v4.1: 219,447 of 1,613,664 alleles (14%); highest among the groups gnomAD compares: South Asian, 21%; 15,759 homozygotes.

Submissions (5):

Labcorp Genetics (formerly Invitae), Labcorp
Classification: Benign. Last evaluated: 2026-02-04. Review status: criteria provided, single submitter. Criteria: Invitae Variant Classification Sherloc (09022015). Collection method: clinical testing. Allele origin: germline.

Unidad de Genómica Garrahan, Hospital de Pediatría Garrahan
Classification: Benign. Last evaluated: 2024-07-15. Review status: criteria provided, single submitter. Criteria: ACMG Guidelines, 2015. Collection method: clinical testing. Allele origin: germline. Affected: no. Observed: 24 variant alleles.
Comment: This variant is classified as Benign based on local population frequency. This variant was detected in 26% of patients studied in a panel designed for Epileptic and Developmental Encephalopathy and Progressive Myoclonus Epilepsy. Number of patients: 24. Only high quality variants are reported.

Genome-Nilou Lab
Classification: Benign for Congenital microcephaly - severe encephalopathy - progressive cerebral atrophy syndrome. Last evaluated: 2021-07-10. Review status: criteria provided, single submitter. Criteria: ACMG Guidelines, 2015. Collection method: clinical testing. Allele origin: germline. Affected: no.

GeneDx
Classification: Benign. Last evaluated: 2018-07-15. Review status: criteria provided, single submitter. Criteria: GeneDx Variant Classification Process June 2021. Collection method: clinical testing. Allele origin: germline. Affected: yes.

Breakthrough Genomics
Classification: Benign. Review status: criteria provided, single submitter. Criteria: ACMG Guidelines, 2015. Collection method: not provided. Allele origin: germline. Inheritance: Autosomal recessive inheritance. Affected: yes.

NM_001673.5(ASNS):c.776-13C>T

Genes: CZ1P-ASNS (CZ1P-ASNS readthrough; minus strand), ASNS (asparagine synthetase (glutamine-hydrolyzing); minus strand). Cytogenetic location: 7q21.3.
Variant type: single nucleotide variant.
Coding change: c.776-13C>T on transcript NM_001673.5 (MANE Select); 13 bases into the intron before coding-DNA position 776, C replaced by T.
Molecular consequence: intron variant.
Genome position (GRCh38, 1-based): chr7:97,858,418, G>A on the plus strand (C>T on the coding strand, the complement: ASNS is on the minus strand). VCF-style: chr7-97858418-G-A. GRCh37 (hg19) VCF-style: chr7-97487730-G-A.
Other names: c.776-13C>T (NM_001352496.2, NM_183356.4, NM_133436.3); c.527-13C>T (NM_001178076.2, NM_001178077.1); c.713-13C>T (NM_001178075.2).
Identifiers: ClinVar variation 1165885 (VCV001165885.16), dbSNP rs41278830, ClinGen allele CA4354681.